The following is an entry in ClinVar:

NM_002471.4(MYH6):c.1750G>A (p.Ala584Thr)

Gene: MYH6 (myosin heavy chain 6; minus strand). Cytogenetic location: 14q11.2.
Variant type: single nucleotide variant.
Coding change: c.1750G>A on transcript NM_002471.4 (MANE Select); coding-DNA position 1750, G replaced by A.
Protein change: p.Ala584Thr; replaces alanine 584 with threonine.
Molecular consequence: missense variant.
Genome position (GRCh38, 1-based): chr14:23,398,869, C>T on the plus strand (G>A on the coding strand, the complement: MYH6 is on the minus strand). VCF-style: chr14-23398869-C-T. GRCh37 (hg19) VCF-style: chr14-23868078-C-T.
Other names: short protein forms A584T.
Identifiers: ClinVar variation 658271 (VCV000658271.11), dbSNP rs138317414, ClinGen allele CA7115719.

ClinVar aggregate classification (germline): Uncertain significance. Review status: criteria provided, multiple submitters, no conflicts (2 of 4 stars). 3 submissions from 3 submitters: Uncertain significance (3). Last evaluated 2024-07-27.

Conditions:
Hypertrophic cardiomyopathy 14. Identifiers: MedGen C2750467, MONDO:0013197, OMIM 613251.
Cardiovascular phenotype. Identifiers: MedGen CN230736.

Allele frequency attached by ClinVar (database versions not stated): gnomAD exomes below 0.00001 and 0.00001; ExAC 0.00001; TOPMed 0.00002; ESP Exome Variant Server 0.00008.
gnomAD v4.1: 7 of 1,614,124 alleles (0.00043%); highest among the groups gnomAD compares: Middle Eastern, 0.016%; no homozygotes.

Submissions (3):

Labcorp Genetics (formerly Invitae), Labcorp
Classification: Uncertain significance for Hypertrophic cardiomyopathy 14. Last evaluated: 2024-07-27. Review status: criteria provided, single submitter. Criteria: Invitae Variant Classification Sherloc (09022015). Collection method: clinical testing. Allele origin: germline.
Comment: This sequence change replaces alanine, which is neutral and non-polar, with threonine, which is neutral and polar, at codon 584 of the MYH6 protein (p.Ala584Thr). This variant is present in population databases (rs138317414, gnomAD 0.003%). This variant has not been reported in the literature in individuals affected with MYH6-related conditions. ClinVar contains an entry for this variant (Variation ID: 658271). Advanced modeling of protein sequence and biophysical properties (such as structural, functional, and spatial information, amino acid conservation, physicochemical variation, residue mobility, and thermodynamic stability) performed at Invitae indicates that this missense variant is expected to disrupt MYH6 protein function with a positive predictive value of 80%. In summary, the available evidence is currently insufficient to determine the role of this variant in disease. Therefore, it has been classified as a Variant of Uncertain Significance.

GeneDx
Classification: Uncertain significance. Last evaluated: 2023-11-05. Review status: criteria provided, single submitter. Criteria: GeneDx Variant Classification Process June 2021. Collection method: clinical testing. Allele origin: germline. Affected: yes.
Comment: Not observed at significant frequency in large population cohorts (gnomAD); In silico analysis supports that this missense variant has a deleterious effect on protein structure/function; Has not been previously published as pathogenic or benign to our knowledge

Ambry Genetics
Classification: Uncertain significance for Cardiovascular phenotype. Last evaluated: 2023-01-22. Review status: criteria provided, single submitter. Criteria: Ambry Variant Classification Scheme 2023. Collection method: clinical testing. Allele origin: germline.
Comment: The p.A584T variant (also known as c.1750G>A), located in coding exon 13 of the MYH6 gene, results from a G to A substitution at nucleotide position 1750. The alanine at codon 584 is replaced by threonine, an amino acid with similar properties. This amino acid position is conserved. In addition, this alteration is predicted to be deleterious by in silico analysis. Since supporting evidence is limited at this time, the clinical significance of this alteration remains unclear.